The following is an entry in ClinVar:

ClinVar aggregate classification (germline): Uncertain significance (1 of 4 stars; one submission).

Conditions:
Holoprosencephaly 11 (HPE11). Identifiers: Orphanet 2162, MedGen C3280215, MONDO:0013642, OMIM 614226.

gnomAD v4.1: 15 of 1,614,020 alleles (0.00093%); highest among the groups gnomAD compares: East Asian, 0.0022%; no homozygotes.

Submission:

Labcorp Genetics (formerly Invitae), Labcorp
Classification: Uncertain significance for Holoprosencephaly 11. Last evaluated: 2025-03-25. Review status: criteria provided, single submitter. Criteria: Invitae Variant Classification Sherloc (09022015). Collection method: clinical testing. Allele origin: germline.
Comment: This sequence change replaces isoleucine, which is neutral and non-polar, with valine, which is neutral and non-polar, at codon 262 of the CDON protein (p.Ile262Val). This variant is present in population databases (rs767409841, gnomAD 0.005%). This variant has not been reported in the literature in individuals affected with CDON-related conditions. Invitae Evidence Modeling of protein sequence and biophysical properties (such as structural, functional, and spatial information, amino acid conservation, physicochemical variation, residue mobility, and thermodynamic stability) indicates that this missense variant is not expected to disrupt CDON protein function with a negative predictive value of 80%. In summary, the available evidence is currently insufficient to determine the role of this variant in disease. Therefore, it has been classified as a Variant of Uncertain Significance.

NM_001378964.1(CDON):c.784A>G (p.Ile262Val)

Gene: CDON (cell adhesion associated, oncogene regulated; minus strand). Cytogenetic location: 11q24.2.
Variant type: single nucleotide variant.
Coding change: c.784A>G on transcript NM_001378964.1 (MANE Select); coding-DNA position 784, A replaced by G.
Protein change: p.Ile262Val; replaces isoleucine 262 with valine.
Molecular consequence: missense variant.
Genome position (GRCh38, 1-based): chr11:126,017,232, T>C on the plus strand (A>G on the coding strand, the complement: CDON is on the minus strand). VCF-style: chr11-126017232-T-C. GRCh37 (hg19) VCF-style: chr11-125887127-T-C.
Other names: c.784A>G, p.Ile262Val (NM_001243597.3, NM_001441161.1, NM_001441162.1 and 5 more transcripts); short protein forms I262V.
Identifiers: ClinVar variation 4738506 (VCV004738506.1).
Genomic context (GRCh38, chr11:126,017,232, plus strand): 5'-GGTCAACGCTATCAGTGGCAAGATGAGAATACAACCTTCTCCAGTTGCTTCCTGGTGCAA[T>C]GTCCTGCCCGTCCTTTAGCCAATACACTTGAGGAGCCGGGACCCCACTCACCACACACTC-3'
Protein context (NP_001365893.1, residues 252-272): QVYWLKDGQD[Ile262Val]APGSNWRRLY